The following is an entry in ClinVar:

ClinVar aggregate classification (germline): Uncertain significance (1 of 4 stars; one submission).

Conditions:
Early Myoclonic Encephalopathy. Identifiers: MedGen C0270855.

Allele frequency attached by ClinVar (database versions not stated): gnomAD exomes 0.00002; ExAC 0.00002; gnomAD 0.00003 and 0.00004; TOPMed 0.00004.
gnomAD v4.1: 37 of 1,614,062 alleles (0.0023%); highest among the groups gnomAD compares: South Asian, 0.0077%; no homozygotes.

Submission:

Labcorp Genetics (formerly Invitae), Labcorp
Classification: Uncertain significance for Early Myoclonic Encephalopathy. Last evaluated: 2024-06-17. Review status: criteria provided, single submitter. Criteria: Invitae Variant Classification Sherloc (09022015). Collection method: clinical testing. Allele origin: germline.
Comment: This sequence change replaces threonine, which is neutral and polar, with methionine, which is neutral and non-polar, at codon 1396 of the JMJD1C protein (p.Thr1396Met). This variant is present in population databases (rs774123043, gnomAD 0.006%). This variant has not been reported in the literature in individuals affected with JMJD1C-related conditions. ClinVar contains an entry for this variant (Variation ID: 848793). Advanced modeling of protein sequence and biophysical properties (such as structural, functional, and spatial information, amino acid conservation, physicochemical variation, residue mobility, and thermodynamic stability) performed at Invitae indicates that this missense variant is not expected to disrupt JMJD1C protein function with a negative predictive value of 80%. In summary, the available evidence is currently insufficient to determine the role of this variant in disease. Therefore, it has been classified as a Variant of Uncertain Significance.

NM_032776.3(JMJD1C):c.4187C>T (p.Thr1396Met)

Gene: JMJD1C (jumonji domain containing 1C; minus strand). Cytogenetic location: 10q21.3.
Variant type: single nucleotide variant.
Coding change: c.4187C>T on transcript NM_032776.3 (MANE Select); coding-DNA position 4187, C replaced by T.
Protein change: p.Thr1396Met; replaces threonine 1396 with methionine.
Molecular consequence: missense variant. On other transcripts: non-coding transcript variant (1).
Genome position (GRCh38, 1-based): chr10:63,207,482, G>A on the plus strand (C>T on the coding strand, the complement: JMJD1C is on the minus strand). VCF-style: chr10-63207482-G-A. GRCh37 (hg19) VCF-style: chr10-64967242-G-A.
Other names: c.3641C>T, p.Thr1214Met (NM_001282948.2, NM_001318154.2); c.3323C>T, p.Thr1108Met (NM_001318153.2); c.4073C>T, p.Thr1358Met (NM_001322252.2); c.3530C>T, p.Thr1177Met (NM_001322254.2, NM_001322258.2); short protein forms T1108M, T1177M, T1396M, T1214M, T1358M.
Identifiers: ClinVar variation 848793 (VCV000848793.8), dbSNP rs774123043, ClinGen allele CA5518312.